The following is an entry in ClinVar:

NM_030973.4(MED25):c.1805C>T (p.Thr602Met)

Gene: MED25 (mediator complex subunit 25; plus strand). Cytogenetic location: 19q13.33.
Variant type: single nucleotide variant.
Coding change: c.1805C>T on transcript NM_030973.4 (MANE Select); coding-DNA position 1805, C replaced by T.
Protein change: p.Thr602Met; replaces threonine 602 with methionine.
Molecular consequence: missense variant.
Genome position (GRCh38, 1-based): chr19:49,835,785, C>T. VCF-style: chr19-49835785-C-T. GRCh37 (hg19) VCF-style: chr19-50339042-C-T.
Other names: c.1805C>T, p.Thr602Met (NM_001378355.1); short protein forms T602M.
Identifiers: ClinVar variation 1955170 (VCV001955170.6), dbSNP rs775430873, ClinGen allele CA9585388.
Genomic context (GRCh38, chr19:49,835,785, plus strand): 5'-AGCTCCAGCTCCGCCCACCGCAGCCCCAGCCTCAGGGTACCGTAGGGGCCTCTGGGGCCA[C>T]GGGGCAGCCCCAGCCCCAAGGTACTGCCCAGCCCCCGCCAGGTGCCCCTCAAGGCCCTCC-3'
Protein context (NP_112235.2, residues 592-612): PQGTVGASGA[Thr602Met]GQPQPQGTAQ

ClinVar aggregate classification (germline): Uncertain significance. Review status: criteria provided, multiple submitters, no conflicts (2 of 4 stars). 2 submissions from 2 submitters: Uncertain significance (2). Last evaluated 2022-07-25.

Conditions:
Inborn genetic diseases. Identifiers: MedGen C0950123, MeSH D030342.
Charcot-Marie-Tooth disease type 2. Also called: Charcot-Marie-Tooth type 2. Identifiers: Orphanet 64746, MedGen C0270914, MONDO:0018993.

Allele frequency attached by ClinVar (database versions not stated): ExAC 0.00002; gnomAD exomes 0.00001; TOPMed 0.00001.
gnomAD v4.1: 11 of 1,606,914 alleles (0.00068%); highest among the groups gnomAD compares: Admixed American, 0.0033%; no homozygotes.

Submissions (2):

Labcorp Genetics (formerly Invitae), Labcorp
Classification: Uncertain significance for Charcot-Marie-Tooth disease type 2. Last evaluated: 2022-07-25. Review status: criteria provided, single submitter. Criteria: Invitae Variant Classification Sherloc (09022015). Collection method: clinical testing. Allele origin: germline.
Comment: In summary, the available evidence is currently insufficient to determine the role of this variant in disease. Therefore, it has been classified as a Variant of Uncertain Significance. Algorithms developed to predict the effect of missense changes on protein structure and function are either unavailable or do not agree on the potential impact of this missense change (SIFT: "Deleterious"; PolyPhen-2: "Benign"; Align-GVGD: "Class C0"). This variant has not been reported in the literature in individuals affected with MED25-related conditions. This variant is present in population databases (rs775430873, gnomAD 0.006%). This sequence change replaces threonine, which is neutral and polar, with methionine, which is neutral and non-polar, at codon 602 of the MED25 protein (p.Thr602Met).

Ambry Genetics
Classification: Uncertain significance for Inborn genetic diseases. Last evaluated: 2022-01-03. Review status: criteria provided, single submitter. Criteria: Ambry Variant Classification Scheme 2023. Collection method: clinical testing. Allele origin: germline.